The following is an entry in ClinVar:

ClinVar aggregate classification (germline): Pathogenic. Review status: criteria provided, multiple submitters, no conflicts (2 of 4 stars). 2 submissions from 2 submitters: Pathogenic (2). Last evaluated 2026-06-01.

Conditions:
X-linked agammaglobulinemia with growth hormone deficiency (IGHD3). Also called: FLEISHER SYNDROME; HYPOGAMMAGLOBULINEMIA AND ISOLATED GROWTH HORMONE DEFICIENCY, X-LINKED; IGHD III; Isolated growth hormone deficiency type 3; Growth hormone deficiency with hypogammaglobulinemia; AGAMMAGLOBULINEMIA AND ISOLATED GROWTH HORMONE DEFICIENCY, X-LINKED. Identifiers: Orphanet 231692, Orphanet 631, MedGen C0472813, MONDO:0010615, OMIM 307200.

Submissions (2):

CeGaT Center for Human Genetics Tuebingen
Classification: Pathogenic. Last evaluated: 2026-06-01. Review status: criteria provided, single submitter. Criteria: CeGaT Center For Human Genetics Tuebingen Variant Classification Criteria Version 2. Collection method: clinical testing. Allele origin: germline. Affected: yes. Observed: 1 variant allele.
Comment: BTK: PVS1, PM2

Labcorp Genetics (formerly Invitae), Labcorp
Classification: Pathogenic for X-linked agammaglobulinemia with growth hormone deficiency. Last evaluated: 2022-09-06. Review status: criteria provided, single submitter. Criteria: Invitae Variant Classification Sherloc (09022015). Collection method: clinical testing. Allele origin: germline.
Comment: For these reasons, this variant has been classified as Pathogenic. This premature translational stop signal has been observed in individual(s) with agammaglobulinemia (PMID: 9445504). This variant is not present in population databases (gnomAD no frequency). This sequence change creates a premature translational stop signal (p.Gln379*) in the BTK gene. It is expected to result in an absent or disrupted protein product. Loss-of-function variants in BTK are known to be pathogenic (PMID: 15661032, 16862044, 19419768).

Literature cited by the submitters: PubMed 9445504 (cited by Labcorp Genetics (formerly Invitae), Labcorp); PubMed 15661032 (cited by Labcorp Genetics (formerly Invitae), Labcorp); PubMed 16862044 (cited by Labcorp Genetics (formerly Invitae), Labcorp); PubMed 19419768 (cited by Labcorp Genetics (formerly Invitae), Labcorp).

NM_000061.3(BTK):c.1135C>T (p.Gln379Ter)

Gene: BTK (Bruton tyrosine kinase; minus strand). Cytogenetic location: Xq22.1.
Variant type: single nucleotide variant.
Coding change: c.1135C>T on transcript NM_000061.3 (MANE Select); coding-DNA position 1135, C replaced by T.
Protein change: p.Gln379Ter; replaces glutamine 379 with a stop codon.
Molecular consequence: nonsense. On other transcripts: intron variant (1).
Genome position (GRCh38, 1-based): chrX:101,357,551, G>A on the plus strand (C>T on the coding strand, the complement: BTK is on the minus strand). VCF-style: chrX-101357551-G-A. GRCh37 (hg19) VCF-style: chrX-100612539-G-A.
Other names: c.1237C>T, p.Gln413Ter (NM_001287344.2); c.1038+823C>T (NM_001287345.2); short protein forms Q413*, Q379*.
Identifiers: ClinVar variation 2138650 (VCV002138650.5), dbSNP rs2147429006, ClinGen allele CA413926388.